The following is an entry in ClinVar:

ClinVar aggregate classification (germline): Conflicting classifications of pathogenicity. Review status: criteria provided, conflicting classifications (1 of 4 stars). 3 submissions from 3 submitters: Uncertain significance (1); Likely benign (2). Last evaluated 2025-11-06.

Conditions:
Cardiomyopathy-hypotonia-lactic acidosis syndrome (MPCD). Identifiers: Orphanet 91130, MedGen C1835845, MONDO:0012557, OMIM 610773.

Allele frequency attached by ClinVar (database versions not stated): ExAC 0.00002; gnomAD exomes 0.00002; gnomAD 0.00004; TOPMed 0.00004.
gnomAD v4.1: 59 of 1,613,748 alleles (0.0037%); highest among the groups gnomAD compares: African/African-American, 0.0053%; no homozygotes.

Submissions (3):

Mayo Clinic Laboratories, Mayo Clinic
Classification: Likely benign. Last evaluated: 2025-11-06. Review status: criteria provided, single submitter. Criteria: ACMG Guidelines, 2015. Collection method: clinical testing. Allele origin: germline. Observed: 1 variant allele.
Comment: BP4, BP7

Labcorp Genetics (formerly Invitae), Labcorp
Classification: Likely benign. Last evaluated: 2025-09-29. Review status: criteria provided, single submitter. Criteria: Invitae Variant Classification Sherloc (09022015). Collection method: clinical testing. Allele origin: germline.

Illumina Laboratory Services, Illumina
Classification: Uncertain significance for Cardiomyopathy-hypotonia-lactic acidosis syndrome. Last evaluated: 2018-01-13. Review status: criteria provided, single submitter. Criteria: ICSL Variant Classification Criteria 13 December 2019. Collection method: clinical testing. Allele origin: germline.

NM_002635.4(SLC25A3):c.312C>T (p.Asn104=)

Gene: SLC25A3 (solute carrier family 25 member 3; plus strand). Cytogenetic location: 12q23.1.
Variant type: single nucleotide variant.
Coding change: c.312C>T on transcript NM_002635.4 (MANE Select); coding-DNA position 312, C replaced by T.
Protein change: p.Asn104=; no amino-acid change (asparagine 104 retained).
Molecular consequence: synonymous variant.
Genome position (GRCh38, 1-based): chr12:98,597,888, C>T. VCF-style: chr12-98597888-C-T. GRCh37 (hg19) VCF-style: chr12-98991666-C-T.
Other names: p.Asn105=; c.315C>T, p.Asn105= (NM_005888.4); c.312C>T, p.Asn104= (NM_213611.3).
Identifiers: ClinVar variation 880647 (VCV000880647.8), dbSNP rs774087747, ClinGen allele CA6732947.